The following is an entry in ClinVar:

NM_004836.7(EIF2AK3):c.394G>A (p.Val132Met)

Gene: EIF2AK3 (eukaryotic translation initiation factor 2 alpha kinase 3; minus strand). Cytogenetic location: 2p11.2.
Variant type: single nucleotide variant.
Coding change: c.394G>A on transcript NM_004836.7 (MANE Select); coding-DNA position 394, G replaced by A.
Protein change: p.Val132Met; replaces valine 132 with methionine.
Molecular consequence: missense variant. On other transcripts: 5 prime UTR variant (1).
Genome position (GRCh38, 1-based): chr2:88,613,768, C>T on the plus strand (G>A on the coding strand, the complement: EIF2AK3 is on the minus strand). VCF-style: chr2-88613768-C-T. GRCh37 (hg19) VCF-style: chr2-88913286-C-T.
Other names: c.394G>A (NM_004836.6); c.-60G>A (NM_001313915.2); short protein forms V132M.
Identifiers: ClinVar variation 1000700 (VCV001000700.11), dbSNP rs144124418, ClinGen allele CA1754950.
Genomic context (GRCh38, chr2:88,613,768, plus strand): 5'-AACAGAAAATTCTTACCTCTGGTTTGCTAAGGCTGGATGACACCAAGGAACCGGATCCCA[C>T]ATCCAAATCCCACTGCTTTTTACCATGATTTTCAGGATCCAAGGCAGCAATTCTCCCATC-3'
Protein context (NP_004827.4, residues 122-142): NHGKKQWDLD[Val132Met]GSGSLVSSSL

ClinVar aggregate classification (germline): Likely benign. Review status: criteria provided, single submitter (1 of 4 stars). 2 submissions from 2 submitters: Likely benign (1). 1 of the submissions does not count toward it. Last evaluated 2026-02-01.

Conditions:
EIF2AK3-related disorder. Also called: EIF2AK3-related condition.

Allele frequency attached by ClinVar (database versions not stated): 1000 Genomes Project 30x 0.00016; 1000 Genomes Project 0.00020; gnomAD exomes 0.00020; ExAC 0.00021; ESP Exome Variant Server 0.00069; gnomAD 0.00084 and 0.00089; TOPMed 0.00097.
gnomAD v4.1: 261 of 1,614,124 alleles (0.016%); highest among the groups gnomAD compares: African/African-American, 0.28%; 1 homozygote.

Submissions (2):

Labcorp Genetics (formerly Invitae), Labcorp
Classification: Likely benign. Last evaluated: 2026-02-01. Review status: criteria provided, single submitter. Criteria: Invitae Variant Classification Sherloc (09022015). Collection method: clinical testing. Allele origin: germline.

PreventionGenetics, part of Exact Sciences
Classification: Likely benign for EIF2AK3-related condition. Last evaluated: 2022-10-13. Review status: no assertion criteria provided. Collection method: clinical testing. Allele origin: germline. Not counted in ClinVar's aggregate classification.
Comment: This variant is classified as likely benign based on ACMG/AMP sequence variant interpretation guidelines (Richards et al. 2015 PMID: 25741868, with internal and published modifications).